The following is an entry in ClinVar:

NM_001171.6(ABCC6):c.3883-7C>T

Gene: ABCC6 (ATP binding cassette subfamily C member 6; minus strand). Cytogenetic location: 16p13.11.
Variant type: single nucleotide variant.
Coding change: c.3883-7C>T on transcript NM_001171.6 (MANE Select); 7 bases into the intron before coding-DNA position 3883, C replaced by T.
Molecular consequence: intron variant.
Genome position (GRCh38, 1-based): chr16:16,155,038, G>A on the plus strand (C>T on the coding strand, the complement: ABCC6 is on the minus strand). VCF-style: chr16-16155038-G-A. GRCh37 (hg19) VCF-style: chr16-16248895-G-A.
Other names: c.3541-7C>T (NM_001351800.1).
Identifiers: ClinVar variation 716814 (VCV000716814.14), dbSNP rs61097521, ClinGen allele CA7925384.

ClinVar aggregate classification (germline): Likely benign. Review status: criteria provided, multiple submitters, no conflicts (2 of 4 stars). 3 submissions from 3 submitters: Likely benign (2). 1 of the submissions does not count toward it. Last evaluated 2026-02-01.

Conditions:
ABCC6-related disorder. Also called: ABCC6-related condition.

Allele frequency attached by ClinVar (database versions not stated): ESP Exome Variant Server 0.00008; gnomAD exomes 0.00021 and 0.00106; ExAC 0.00052; gnomAD 0.00052 and 0.00059; TOPMed 0.00073; 1000 Genomes Project 0.00200; 1000 Genomes Project 30x 0.00203.
gnomAD v4.1: 394 of 1,550,756 alleles (0.025%); highest among the groups gnomAD compares: East Asian, 0.61%; 3 homozygotes.

Submissions (3):

Labcorp Genetics (formerly Invitae), Labcorp
Classification: Likely benign. Last evaluated: 2026-02-01. Review status: criteria provided, single submitter. Criteria: Invitae Variant Classification Sherloc (09022015). Collection method: clinical testing. Allele origin: germline.

Blueprint Genetics
Classification: Likely benign. Last evaluated: 2024-10-22. Review status: criteria provided, single submitter. Criteria: ACMG Guidelines, 2015. Collection method: clinical testing. Allele origin: germline.

PreventionGenetics, part of Exact Sciences
Classification: Likely benign for ABCC6-related condition. Last evaluated: 2019-06-03. Review status: no assertion criteria provided. Collection method: clinical testing. Allele origin: germline. Not counted in ClinVar's aggregate classification.
Comment: This variant is classified as likely benign based on ACMG/AMP sequence variant interpretation guidelines (Richards et al. 2015 PMID: 25741868, with internal and published modifications).